The following is an entry in ClinVar:

ClinVar aggregate classification (germline): Conflicting classifications of pathogenicity. Review status: criteria provided, conflicting classifications (1 of 4 stars). 7 submissions from 7 submitters: Uncertain significance (5); Benign (1). 1 of the submissions does not count toward it. Last evaluated 2026-01-28.

Conditions:
Usher syndrome type 1B (USH1B). Also called: Usher syndrome type IB. Identifiers: MedGen C1848638, MONDO:0700087.

Allele frequency attached by ClinVar (database versions not stated): gnomAD 0.00015; ESP Exome Variant Server 0.00016; gnomAD exomes 0.00017 and 0.00034; TOPMed 0.00020; ExAC 0.00073.
gnomAD v4.1: 267 of 1,572,840 alleles (0.017%); highest among the groups gnomAD compares: Admixed American, 0.078%; no homozygotes.

Submissions (7):

Labcorp Genetics (formerly Invitae), Labcorp
Classification: Benign. Last evaluated: 2026-01-28. Review status: criteria provided, single submitter. Criteria: Invitae Variant Classification Sherloc (09022015). Collection method: clinical testing. Allele origin: germline.

GeneDx
Classification: Uncertain significance. Last evaluated: 2025-12-18. Review status: criteria provided, single submitter. Criteria: GeneDx Variant Classification Process June 2021. Collection method: clinical testing. Allele origin: germline. Affected: yes.
Comment: Observed in the heterozygous state in a patient with Best vitelliform macular dystrophy in published literature (PMID: 38927702); In silico analysis suggests that this missense variant does not alter protein structure/function; This variant is associated with the following publications: (PMID: 38927702)

Mayo Clinic Laboratories, Mayo Clinic
Classification: Uncertain significance. Last evaluated: 2025-04-01. Review status: criteria provided, single submitter. Criteria: ACMG Guidelines, 2015. Collection method: clinical testing. Allele origin: germline. Observed: 1 variant allele.
Comment: PM2_supporting

Blueprint Genetics
Classification: Uncertain significance. Last evaluated: 2024-11-18. Review status: criteria provided, single submitter. Criteria: ACMG Guidelines, 2015. Collection method: clinical testing. Allele origin: germline.

Eurofins Ntd Llc (ga)
Classification: Uncertain significance. Last evaluated: 2016-01-08. Review status: criteria provided, single submitter. Criteria: EGL Classification Definitions 2015. Collection method: clinical testing. Allele origin: germline. Observed: 1 variant allele, 1 heterozygote.

Laboratory for Molecular Medicine, Mass General Brigham Personalized Medicine
Classification: Uncertain significance. Last evaluated: 2014-08-11. Review status: criteria provided, single submitter. Criteria: LMM Criteria. Collection method: clinical testing. Allele origin: germline. Observed: 1 variant allele.
Comment: Variant classified as Uncertain Significance - Favor Benign. The Ser1135Tyr vari ant in MYO7A has not been previously reported in individuals with hearing loss, but has been identified in 2/8402 of European American chromosomes by the NHLBI Exome Sequencing Project (dbSNP rs376688581). Serine (Ser) at position 1135 is not conserved in mammals or evolutionarily dis tant species, raising the possibility that a change at this position may be tole rated. Additional computational prediction tools suggest that this variant may not impact the protein, though this information is not predictive enough to rule out pathogenicity. In summary, while the clinical significance of the Ser1135Ty r variant is uncertain, these data suggest that it is more likely to be benign.

Natera, Inc.
Classification: Uncertain significance for Usher syndrome type 1B. Last evaluated: 2020-04-16. Review status: no assertion criteria provided. Collection method: clinical testing. Allele origin: germline. Not counted in ClinVar's aggregate classification.

Literature cited by the submitters: PubMed 38927702 (cited by Mayo Clinic Laboratories, Mayo Clinic); PubMed 15221449 (cited by Laboratory for Molecular Medicine, Mass General Brigham Personalized Medicine); PubMed 9354784 (cited by Laboratory for Molecular Medicine, Mass General Brigham Personalized Medicine); PubMed 21150918 (cited by Laboratory for Molecular Medicine, Mass General Brigham Personalized Medicine); PubMed 15121790 (cited by Laboratory for Molecular Medicine, Mass General Brigham Personalized Medicine); PubMed 15300860 (cited by Laboratory for Molecular Medicine, Mass General Brigham Personalized Medicine).

NM_000260.4(MYO7A):c.3404C>A (p.Ser1135Tyr)

Gene: MYO7A (myosin VIIA; plus strand). Cytogenetic location: 11q13.5.
Variant type: single nucleotide variant.
Coding change: c.3404C>A on transcript NM_000260.4 (MANE Select); coding-DNA position 3404, C replaced by A.
Protein change: p.Ser1135Tyr; replaces serine 1135 with tyrosine.
Molecular consequence: missense variant.
Genome position (GRCh38, 1-based): chr11:77,184,616, C>A. VCF-style: chr11-77184616-C-A. GRCh37 (hg19) VCF-style: chr11-76895661-C-A.
Other names: NM_001127179.2:c.3404C>A; c.3404C>A, p.Ser1135Tyr (NM_001127180.2); c.3371C>A, p.Ser1124Tyr (NM_001369365.1); short protein forms S1135Y, S1124Y.
Identifiers: ClinVar variation 43205 (VCV000043205.27), dbSNP rs376688581, ClinGen allele CA132288.
Genomic context (GRCh38, chr11:77,184,616, plus strand): 5'-TTTACCTGCCCTGTCCTCTCCCTCTGGCCCAGGTGACCAAGAGGCTGCATGACGGGGAGT[C>A]CACAGTGCAGGGCAACAGCATGCTGGAGGACCGGCCCACCTCCAACCTGGAGAAGCTGCA-3'
Protein context (NP_000251.3, residues 1125-1145): EVTKRLHDGE[Ser1135Tyr]TVQGNSMLED